The following is an entry in ClinVar:

ClinVar aggregate classification (germline): Likely benign (1 of 4 stars; one submission).

gnomAD v4.1: 247 of 1,287,224 alleles (0.019%); highest among the groups gnomAD compares: South Asian, 0.28%; 5 homozygotes.

Submission:

Molecular Diagnostic Laboratory for Inherited Cardiovascular Disease, Montreal Heart Institute
Classification: Likely benign. Last evaluated: 2026-09-21. Review status: criteria provided, single submitter. Criteria: ACMG Guidelines, 2015. Collection method: clinical testing. Allele origin: germline. Affected: no.
Comment: BS1

NM_022773.4(LMF1):c.514+2483G>C

Genes: LMF1 (lipase maturation factor 1; minus strand), LMF1-AS1 (LMF1 antisense RNA 1; plus strand). Cytogenetic location: 16p13.3.
Variant type: single nucleotide variant.
Coding change: c.514+2483G>C on transcript NM_022773.4 (MANE Select); 2483 bases into the intron after coding-DNA position 514, G replaced by C.
Molecular consequence: intron variant. On other transcripts: 5 prime UTR variant (1).
Genome position (GRCh38, 1-based): chr16:931,761, C>G on the plus strand (G>C on the coding strand, the complement: LMF1 is on the minus strand). VCF-style: chr16-931761-C-G. GRCh37 (hg19) VCF-style: chr16-981761-C-G.
Other names: c.-257G>C (NM_001352017.2); c.187+2483G>C (NM_001352019.2); c.115+2230G>C (NM_001352018.2); c.514+2483G>C (NM_001352020.1); c.-138+2429G>C (NM_001352021.2).
Identifiers: ClinVar variation 5037806 (VCV005037806.1), dbSNP rs371682058.